The following is an entry in ClinVar:

NM_032638.5(GATA2):c.1045T>G (p.Cys349Gly)

Gene: GATA2 (GATA binding protein 2; minus strand). Cytogenetic location: 3q21.3.
Variant type: single nucleotide variant.
Coding change: c.1045T>G on transcript NM_032638.5 (MANE Select); coding-DNA position 1045, T replaced by G.
Protein change: p.Cys349Gly; replaces cysteine 349 with glycine.
Molecular consequence: missense variant. On other transcripts: intron variant (1).
Genome position (GRCh38, 1-based): chr3:128,481,917, A>C on the plus strand (T>G on the coding strand, the complement: GATA2 is on the minus strand). VCF-style: chr3-128481917-A-C. GRCh37 (hg19) VCF-style: chr3-128200760-A-C.
Other names: c.1045T>G, p.Cys349Gly (NM_001145661.2); c.1018-15T>G (NM_001145662.1); short protein forms C349G.
Identifiers: ClinVar variation 1184225 (VCV001184225.1), dbSNP rs1576745260, ClinGen allele CA354413658.
Genomic context (GRCh38, chr3:128,481,917, plus strand): 5'-CAGGGTCCCCGTTGGCGTTTCGGCGCCATAAGGTGGTGGTTGTCGTCTGACAATTTGCAC[A>C]ACAGGTGCCGGCTCTTCTGGCGGCCGACTGGGAGGGCAAGGCAGCGTCAGCAGGCTGGAC-3'
Protein context (NP_116027.2, residues 339-359): LSAARRAGTC[Cys349Gly]ANCQTTTTTL

ClinVar aggregate classification (germline): Likely pathogenic (1 of 4 stars; one submission).

Conditions:
Deafness-lymphedema-leukemia syndrome. Also called: Emberger syndrome; Lymphedema, primary, with myelodysplasia. Identifiers: Orphanet 3226, MedGen C3279664, MONDO:0013540, OMIM 614038.
GATA2 deficiency with susceptibility to MDS/AML. Identifiers: MedGen CN300066, MONDO:0042982.

Submission:

Molecular Pathology Research Laboratory, SA Pathology
Classification: Likely pathogenic for GATA2 deficiency with susceptibility to MDS/AML; Deafness-lymphedema-leukemia syndrome. Last evaluated: 2021-07-06. Review status: criteria provided, single submitter. Criteria: ACMG Guidelines, 2015. Collection method: curation. Allele origin: unknown. Inheritance: Autosomal dominant inheritance. Affected: yes. Observed: 1 variant allele.
Comment: PS4_Supporting, PM1, PM2, PM5, PP3

Literature cited by the submitters: PubMed 29947977.